The following is an entry in ClinVar:

NM_000245.4(MET):c.2441C>G (p.Pro814Arg)

Gene: MET (MET proto-oncogene, receptor tyrosine kinase; plus strand). Cytogenetic location: 7q31.2.
Variant type: single nucleotide variant.
Coding change: c.2441C>G on transcript NM_000245.4 (MANE Select); coding-DNA position 2441, C replaced by G.
Protein change: p.Pro814Arg; replaces proline 814 with arginine.
Molecular consequence: missense variant.
Genome position (GRCh38, 1-based): chr7:116,763,126, C>G. VCF-style: chr7-116763126-C-G. GRCh37 (hg19) VCF-style: chr7-116403180-C-G.
Other names: c.2495C>G, p.Pro832Arg (NM_001127500.3); c.2441C>G, p.Pro814Arg (NM_001324401.3); c.1151C>G, p.Pro384Arg (NM_001324402.2); short protein forms P814R, P832R, P384R.
Identifiers: ClinVar variation 2453427 (VCV002453427.4), dbSNP rs781452657, ClinGen allele CA368983207.

ClinVar aggregate classification (germline): Uncertain significance. Review status: criteria provided, multiple submitters, no conflicts (2 of 4 stars). 2 submissions from 2 submitters: Uncertain significance (2). Last evaluated 2024-06-14.

Conditions:
Hereditary cancer-predisposing syndrome. Also called: Neoplastic Syndromes, Hereditary; Tumor predisposition; Hereditary neoplastic syndrome; Hereditary Cancer Syndrome. Identifiers: Orphanet 140162, MedGen C0027672, MeSH D009386, MONDO:0015356.
Renal cell carcinoma. Identifiers: Orphanet 217071, MedGen C0007134, MeSH D002292, MONDO:0005086, HP:0005584.

Submissions (2):

Labcorp Genetics (formerly Invitae), Labcorp
Classification: Uncertain significance for Renal cell carcinoma. Last evaluated: 2024-06-14. Review status: criteria provided, single submitter. Criteria: Invitae Variant Classification Sherloc (09022015). Collection method: clinical testing. Allele origin: germline.
Comment: This sequence change replaces proline, which is neutral and non-polar, with arginine, which is basic and polar, at codon 832 of the MET protein (p.Pro832Arg). This variant is not present in population databases (gnomAD no frequency). This variant has not been reported in the literature in individuals affected with MET-related conditions. ClinVar contains an entry for this variant (Variation ID: 2453427). Advanced modeling of protein sequence and biophysical properties (such as structural, functional, and spatial information, amino acid conservation, physicochemical variation, residue mobility, and thermodynamic stability) performed at Invitae indicates that this missense variant is expected to disrupt MET protein function with a positive predictive value of 80%. In summary, the available evidence is currently insufficient to determine the role of this variant in disease. Therefore, it has been classified as a Variant of Uncertain Significance.

Ambry Genetics
Classification: Uncertain significance for Hereditary cancer-predisposing syndrome. Last evaluated: 2023-03-03. Review status: criteria provided, single submitter. Criteria: Ambry Variant Classification Scheme 2023. Collection method: clinical testing. Allele origin: germline.
Comment: The p.P832R variant (also known as c.2495C>G), located in coding exon 10 of the MET gene, results from a C to G substitution at nucleotide position 2495. The proline at codon 832 is replaced by arginine, an amino acid with dissimilar properties. This amino acid position is conserved. In addition, this alteration is predicted to be deleterious by in silico analysis. Since supporting evidence is limited at this time, the clinical significance of this alteration remains unclear.